The following is an entry in ClinVar:

NM_005708.5(GPC6):c.1254C>A (p.Asn418Lys)

Gene: GPC6 (glypican 6; plus strand). Cytogenetic location: 13q31.3.
Variant type: single nucleotide variant.
Coding change: c.1254C>A on transcript NM_005708.5 (MANE Select); coding-DNA position 1254, C replaced by A.
Protein change: p.Asn418Lys; replaces asparagine 418 with lysine.
Molecular consequence: missense variant.
Genome position (GRCh38, 1-based): chr13:94,382,515, C>A. VCF-style: chr13-94382515-C-A. GRCh37 (hg19) VCF-style: chr13-95034769-C-A.
Other names: short protein forms N418K.
Identifiers: ClinVar variation 1390952 (VCV001390952.5), dbSNP rs146122550, ClinGen allele CA7017133.

ClinVar aggregate classification (germline): Uncertain significance (1 of 4 stars; one submission).

gnomAD v4.1: 13 of 1,614,024 alleles (0.00081%); highest among the groups gnomAD compares: African/African-American, 0.0027%; no homozygotes.

Submission:

Labcorp Genetics (formerly Invitae), Labcorp
Classification: Uncertain significance. Last evaluated: 2021-12-15. Review status: criteria provided, single submitter. Criteria: Invitae Variant Classification Sherloc (09022015). Collection method: clinical testing. Allele origin: germline.
Comment: In summary, the available evidence is currently insufficient to determine the role of this variant in disease. Therefore, it has been classified as a Variant of Uncertain Significance. Algorithms developed to predict the effect of missense changes on protein structure and function (SIFT, PolyPhen-2, Align-GVGD) all suggest that this variant is likely to be tolerated. This variant has not been reported in the literature in individuals affected with GPC6-related conditions. This variant is present in population databases (rs146122550, gnomAD 0.007%). This sequence change replaces asparagine, which is neutral and polar, with lysine, which is basic and polar, at codon 418 of the GPC6 protein (p.Asn418Lys).